The following is an entry in ClinVar:

ClinVar aggregate classification (germline): Uncertain significance. Review status: criteria provided, multiple submitters, no conflicts (2 of 4 stars). 3 submissions from 3 submitters: Uncertain significance (3). Last evaluated 2025-02-28.

Conditions:
Spastic paraplegia. Identifiers: MedGen C0037772, HP:0001258.
Combined oxidative phosphorylation defect type 7. Identifiers: Orphanet 254930, MedGen C3150801, MONDO:0013306, OMIM 613559.

Allele frequency attached by ClinVar (database versions not stated): gnomAD 0.00004; ExAC 0.00001; gnomAD exomes 0.00001; TOPMed 0.00003.
gnomAD v4.1: 87 of 1,614,086 alleles (0.0054%); highest among the groups gnomAD compares: South Asian, 0.0099%; no homozygotes.

Submissions (3):

Mayo Clinic Laboratories, Mayo Clinic
Classification: Uncertain significance. Last evaluated: 2025-02-28. Review status: criteria provided, single submitter. Criteria: ACMG Guidelines, 2015. Collection method: clinical testing. Allele origin: germline. Observed: 1 variant allele.
Comment: BP4, PM2_supporting

Labcorp Genetics (formerly Invitae), Labcorp
Classification: Uncertain significance for Combined oxidative phosphorylation defect type 7; Spastic paraplegia. Last evaluated: 2021-10-15. Review status: criteria provided, single submitter. Criteria: Invitae Variant Classification Sherloc (09022015). Collection method: clinical testing. Allele origin: germline.
Comment: This sequence change replaces glutamic acid with lysine at codon 61 of the C12orf65 protein (p.Glu61Lys). The glutamic acid residue is moderately conserved and there is a small physicochemical difference between glutamic acid and lysine. This variant is present in population databases (rs768652922, ExAC 0.006%). This variant has not been reported in the literature in individuals affected with C12orf65-related conditions. ClinVar contains an entry for this variant (Variation ID: 883440). Algorithms developed to predict the effect of missense changes on protein structure and function output the following: SIFT: "Tolerated"; PolyPhen-2: "Benign"; Align-GVGD: "Class C0". The lysine amino acid residue is found in multiple mammalian species, which suggests that this missense change does not adversely affect protein function. In summary, the available evidence is currently insufficient to determine the role of this variant in disease. Therefore, it has been classified as a Variant of Uncertain Significance.

Illumina Laboratory Services, Illumina
Classification: Uncertain significance for Combined oxidative phosphorylation defect type 7. Last evaluated: 2018-01-12. Review status: criteria provided, single submitter. Criteria: ICSL Variant Classification Criteria 13 December 2019. Collection method: clinical testing. Allele origin: germline.

NM_152269.5(MTRFR):c.181G>A (p.Glu61Lys)

Gene: MTRFR (mitochondrial translation release factor in rescue; plus strand). Cytogenetic location: 12q24.31.
Variant type: single nucleotide variant.
Coding change: c.181G>A on transcript NM_152269.5 (MANE Select); coding-DNA position 181, G replaced by A.
Protein change: p.Glu61Lys; replaces glutamic acid 61 with lysine.
Molecular consequence: missense variant.
Genome position (GRCh38, 1-based): chr12:123,253,855, G>A. VCF-style: chr12-123253855-G-A. GRCh37 (hg19) VCF-style: chr12-123738402-G-A.
Other names: p.Glu61Lys; c.181G>A, p.Glu61Lys (NM_001143905.2, NM_001194995.1); short protein forms E61K.
Identifiers: ClinVar variation 883440 (VCV000883440.7), dbSNP rs768652922, ClinGen allele CA6856532.